The following is an entry in ClinVar:

NM_000245.4(MET):c.3260-2A>G

Gene: MET (MET proto-oncogene, receptor tyrosine kinase; plus strand). Cytogenetic location: 7q31.2.
Variant type: single nucleotide variant.
Coding change: c.3260-2A>G on transcript NM_000245.4 (MANE Select); the canonical splice acceptor site of the intron before coding-DNA position 3260, A replaced by G.
Molecular consequence: splice acceptor variant.
Genome position (GRCh38, 1-based): chr7:116,777,387, A>G. VCF-style: chr7-116777387-A-G. GRCh37 (hg19) VCF-style: chr7-116417441-A-G.
Other names: c.3314-2A>G (NM_001127500.3); c.1970-2A>G (NM_001324402.2).
Identifiers: ClinVar variation 2447326 (VCV002447326.2), dbSNP rs2117039681, ClinGen allele CA368989503.
Genomic context (GRCh38, chr7:116,777,387, plus strand): 5'-ATAAATAATTATTTCATAATTAAATGTTACGCAGTGCTAACCAAGTTCTTTCTTTTGCAC[A>G]GGGCATTTTGGTTGTGTATATCATGGGACTTTGTTGGACAATGATGGCAAGAAAATTCAC-3'

ClinVar aggregate classification (germline): Uncertain significance (1 of 4 stars; one submission).

Conditions:
Hereditary cancer-predisposing syndrome. Also called: Neoplastic Syndromes, Hereditary; Hereditary Cancer Syndrome; Tumor predisposition; Hereditary neoplastic syndrome. Identifiers: Orphanet 140162, MedGen C0027672, MeSH D009386, MONDO:0015356.

Submission:

Ambry Genetics
Classification: Uncertain significance for Hereditary cancer-predisposing syndrome. Last evaluated: 2023-02-08. Review status: criteria provided, single submitter. Criteria: Ambry Variant Classification Scheme 2023. Collection method: clinical testing. Allele origin: germline.
Comment: The c.3314-2A>G intronic variant results from an A to G substitution two nucleotides before coding exon 15 in the MET gene. This nucleotide position is highly conserved in available vertebrate species. In silico splice site analysis predicts that this alteration will weaken the native splice acceptor site. Alterations that disrupt the canonical splice site are expected to cause aberrant splicing, resulting in an abnormal protein or a transcript that is subject to nonsense-mediated mRNA decay. The resulting transcript is predicted to be in-frame and is not expected to trigger nonsense-mediated mRNA decay; however, direct evidence is unavailable. In addition, loss of function of MET has not been established as a mechanism of disease. The exact functional effect of the altered amino acid sequence is unknown. Since supporting evidence is limited at this time, the clinical significance of this alteration remains unclear.